The following is an entry in ClinVar:

ClinVar aggregate classification (germline): Uncertain significance. Review status: criteria provided, multiple submitters, no conflicts (2 of 4 stars). 2 submissions from 2 submitters: Uncertain significance (2). Last evaluated 2025-10-17.

Allele frequency attached by ClinVar (database versions not stated): gnomAD exomes 0.00001 and 0.00002; ExAC 0.00002.
gnomAD v4.1: 12 of 1,604,070 alleles (0.00075%); highest among the groups gnomAD compares: South Asian, 0.011%; 1 homozygote.

Submissions (2):

Labcorp Genetics (formerly Invitae), Labcorp
Classification: Uncertain significance. Last evaluated: 2025-10-17. Review status: criteria provided, single submitter. Criteria: Invitae Variant Classification Sherloc (09022015). Collection method: clinical testing. Allele origin: germline.
Comment: This sequence change replaces serine, which is neutral and polar, with phenylalanine, which is neutral and non-polar, at codon 1964 of the HMCN1 protein (p.Ser1964Phe). This variant is present in population databases (rs768770768, gnomAD 0.02%). This variant has not been reported in the literature in individuals affected with HMCN1-related conditions. ClinVar contains an entry for this variant (Variation ID: 1387997). An algorithm developed to predict the effect of missense changes on protein structure and function (PolyPhen-2) suggests that this variant is likely to be disruptive. In summary, the available evidence is currently insufficient to determine the role of this variant in disease. Therefore, it has been classified as a Variant of Uncertain Significance.

Ambry Genetics
Classification: Uncertain significance. Last evaluated: 2025-08-21. Review status: criteria provided, single submitter. Criteria: Ambry Variant Classification Scheme 2023. Collection method: clinical testing. Allele origin: germline.

NM_031935.3(HMCN1):c.5891C>T (p.Ser1964Phe)

Gene: HMCN1 (hemicentin 1; plus strand). Cytogenetic location: 1q31.1.
Variant type: single nucleotide variant.
Coding change: c.5891C>T on transcript NM_031935.3 (MANE Select); coding-DNA position 5891, C replaced by T.
Protein change: p.Ser1964Phe; replaces serine 1964 with phenylalanine.
Molecular consequence: missense variant.
Genome position (GRCh38, 1-based): chr1:186,038,868, C>T. VCF-style: chr1-186038868-C-T. GRCh37 (hg19) VCF-style: chr1-186008000-C-T.
Other names: c.5891C>T (NM_031935.2); short protein forms S1964F.
Identifiers: ClinVar variation 1387997 (VCV001387997.7), dbSNP rs768770768, ClinGen allele CA1292414.